The following is an entry in ClinVar:

NM_018699.4(PRDM5):c.655C>T (p.Leu219Phe)

Gene: PRDM5 (PR/SET domain 5; minus strand). Cytogenetic location: 4q27.
Variant type: single nucleotide variant.
Coding change: c.655C>T on transcript NM_018699.4 (MANE Select); coding-DNA position 655, C replaced by T.
Protein change: p.Leu219Phe; replaces leucine 219 with phenylalanine.
Molecular consequence: missense variant. On other transcripts: intron variant (3).
Genome position (GRCh38, 1-based): chr4:120,816,920, G>A on the plus strand (C>T on the coding strand, the complement: PRDM5 is on the minus strand). VCF-style: chr4-120816920-G-A. GRCh37 (hg19) VCF-style: chr4-121738075-G-A.
Other names: c.655C>T, p.Leu219Phe (NM_001379104.1); c.651-346C>T (NM_001300824.2, NM_001379106.1, NM_001300823.2); short protein forms L219F.
Identifiers: ClinVar variation 1754187 (VCV001754187.2), dbSNP rs1259568974, ClinGen allele CA358207846.
Genomic context (GRCh38, chr4:120,816,920, plus strand): 5'-AAACAGAGCACTGAAAACTTCGCGAAGACTCCTTTAGACTGCTTTTCGCTGTGCACTGAA[G>A]AACACTAAAGGGAAATAGGAAAAAGAGAAAGAAAAGAAAACAAAAACTGGAACTCTAAGA-3'
Protein context (NP_061169.2, residues 209-229): PVKQALQRHV[Leu219Phe]QCTAKSSLKE

ClinVar aggregate classification (germline): Uncertain significance (1 of 4 stars; one submission).

Conditions:
Cardiovascular phenotype. Identifiers: MedGen CN230736.

Allele frequency attached by ClinVar (database versions not stated): gnomAD exomes below 0.00001; TOPMed 0.00002.
gnomAD v4.1: 4 of 1,610,142 alleles (0.00025%); highest among the groups gnomAD compares: East Asian, 0.0067%; no homozygotes.

Submission:

Ambry Genetics
Classification: Uncertain significance for Cardiovascular phenotype. Last evaluated: 2020-11-04. Review status: criteria provided, single submitter. Criteria: Ambry Variant Classification Scheme 2023. Collection method: clinical testing. Allele origin: germline.
Comment: The p.L219F variant (also known as c.655C>T), located in coding exon 6 of the PRDM5 gene, results from a C to T substitution at nucleotide position 655. The leucine at codon 219 is replaced by phenylalanine, an amino acid with highly similar properties. This amino acid position is highly conserved in available vertebrate species. In addition, the in silico prediction for this alteration is inconclusive. Since supporting evidence is limited at this time, the clinical significance of this alteration remains unclear.